The following is an entry in ClinVar:

NM_020937.4(FANCM):c.4575T>C (p.Tyr1525=)

Gene: FANCM (FA complementation group M; plus strand). Cytogenetic location: 14q21.2.
Variant type: single nucleotide variant.
Coding change: c.4575T>C on transcript NM_020937.4 (MANE Select); coding-DNA position 4575, T replaced by C.
Protein change: p.Tyr1525=; no amino-acid change (tyrosine 1525 retained).
Molecular consequence: synonymous variant.
Genome position (GRCh38, 1-based): chr14:45,185,276, T>C. VCF-style: chr14-45185276-T-C. GRCh37 (hg19) VCF-style: chr14-45654479-T-C.
Other names: c.4497T>C, p.Tyr1499= (NM_001308133.2).
Identifiers: ClinVar variation 1640922 (VCV001640922.12), dbSNP rs756538862, ClinGen allele CA7169797.
Genomic context (GRCh38, chr14:45,185,276, plus strand): 5'-GCATGTAGCTAGGAAGTTTTTAGATGATGAAGCAGAACTTTCTGAAGAAGATGCAGAATA[T>C]GTTTCATCAGATGAAAATGATGAGTCAGAAAATGAACAAGATTCCTCATTACTTGACTTT-3'
Protein context (NP_065988.1, residues 1515-1535): EAELSEEDAE[Tyr1525=]VSSDENDESE

ClinVar aggregate classification (germline): Conflicting classifications of pathogenicity. Review status: criteria provided, conflicting classifications (1 of 4 stars). 3 submissions from 3 submitters: Uncertain significance (1); Likely benign (2). Last evaluated 2024-12-30.

Conditions:
Fanconi anemia (FA). Also called: Fanconi's anemia. Identifiers: Orphanet 84, MedGen C0015625, MeSH D005199, MONDO:0019391.
Inborn genetic diseases. Identifiers: MedGen C0950123, MeSH D030342.

Allele frequency attached by ClinVar (database versions not stated): gnomAD 0.00001; ExAC 0.00002; gnomAD exomes 0.00001; TOPMed below 0.00001.
gnomAD v4.1: 12 of 1,603,316 alleles (0.00075%); highest among the groups gnomAD compares: South Asian, 0.01%; no homozygotes.

Submissions (3):

Ambry Genetics
Classification: Likely benign for Inborn genetic diseases. Last evaluated: 2024-12-30. Review status: criteria provided, single submitter. Criteria: Ambry Variant Classification Scheme 2023. Collection method: clinical testing. Allele origin: germline.

GeneDx
Classification: Uncertain significance. Last evaluated: 2022-12-02. Review status: criteria provided, single submitter. Criteria: GeneDx Variant Classification Process June 2021. Collection method: clinical testing. Allele origin: germline.
Comment: Not observed at significant frequency in large population cohorts (gnomAD); Has not been previously published as pathogenic or benign to our knowledge; In silico analysis supports that this variant does not alter splicing

Labcorp Genetics (formerly Invitae), Labcorp
Classification: Likely benign for Fanconi anemia. Last evaluated: 2022-02-04. Review status: criteria provided, single submitter. Criteria: Invitae Variant Classification Sherloc (09022015). Collection method: clinical testing. Allele origin: germline.